The following is an entry in ClinVar:

NM_004656.4(BAP1):c.2111T>C (p.Val704Ala)

Gene: BAP1 (BRCA1 associated deubiquitinase 1; minus strand). Cytogenetic location: 3p21.1.
Variant type: single nucleotide variant.
Coding change: c.2111T>C on transcript NM_004656.4 (MANE Select); coding-DNA position 2111, T replaced by C.
Protein change: p.Val704Ala; replaces valine 704 with alanine.
Molecular consequence: missense variant.
Genome position (GRCh38, 1-based): chr3:52,402,367, A>G on the plus strand (T>C on the coding strand, the complement: BAP1 is on the minus strand). VCF-style: chr3-52402367-A-G. GRCh37 (hg19) VCF-style: chr3-52436383-A-G.
Other names: short protein forms V704A.
Identifiers: ClinVar variation 962588 (VCV000962588.7), dbSNP rs1704985151, ClinGen allele CA353094304.

ClinVar aggregate classification (germline): Uncertain significance (1 of 4 stars; one submission).

Conditions:
BAP1-related tumor predisposition syndrome (TPDS1). Also called: BAP1 tumor predisposition syndrome; COMMON Syndrome; TUMOR PREDISPOSITION SYNDROME 1; Tumor susceptibility linked to germline BAP1 mutations. Identifiers: Orphanet 289539, MedGen C3280492, MONDO:0013692, OMIM 614327.

Submission:

Labcorp Genetics (formerly Invitae), Labcorp
Classification: Uncertain significance for BAP1-related tumor predisposition syndrome. Last evaluated: 2019-09-27. Review status: criteria provided, single submitter. Criteria: Invitae Variant Classification Sherloc (09022015). Collection method: clinical testing. Allele origin: germline.
Comment: In summary, the available evidence is currently insufficient to determine the role of this variant in disease. Therefore, it has been classified as a Variant of Uncertain Significance. Algorithms developed to predict the effect of missense changes on protein structure and function are either unavailable or do not agree on the potential impact of this missense change (SIFT: "Tolerated"; PolyPhen-2: "Possibly Damaging"; Align-GVGD: "Class C0"). This variant has not been reported in the literature in individuals with BAP1-related conditions. This variant is not present in population databases (ExAC no frequency). This sequence change replaces valine with alanine at codon 704 of the BAP1 protein (p.Val704Ala). The valine residue is highly conserved and there is a small physicochemical difference between valine and alanine.